The following is an entry in ClinVar:

ClinVar aggregate classification (germline): Likely benign. Review status: criteria provided, multiple submitters, no conflicts (2 of 4 stars). 5 submissions from 5 submitters: Likely benign (4). 1 of the submissions does not count toward it. Last evaluated 2026-01-26.

Conditions:
SCN3B-related disorder. Also called: SCN3B-related condition.
Cardiovascular phenotype. Identifiers: MedGen CN230736.
Brugada syndrome 7 (BRGDA7). Identifiers: Orphanet 130, MedGen C2751088, MONDO:0013146, OMIM 613120.

Allele frequency attached by ClinVar (database versions not stated): gnomAD exomes 0.00010 and 0.00016; ESP Exome Variant Server 0.00015; ExAC 0.00018; gnomAD 0.00024 and 0.00025; TOPMed 0.00026; 1000 Genomes Project 30x 0.00031; 1000 Genomes Project 0.00040.
gnomAD v4.1: 187 of 1,614,158 alleles (0.012%); highest among the groups gnomAD compares: Admixed American, 0.067%; no homozygotes.

Submissions (5):

Labcorp Genetics (formerly Invitae), Labcorp
Classification: Likely benign for Brugada syndrome 7. Last evaluated: 2026-01-26. Review status: criteria provided, single submitter. Criteria: Invitae Variant Classification Sherloc (09022015). Collection method: clinical testing. Allele origin: germline.

GeneDx
Classification: Likely benign. Last evaluated: 2021-06-09. Review status: criteria provided, single submitter. Criteria: GeneDx Variant Classification Process June 2021. Collection method: clinical testing. Allele origin: germline. Affected: yes.

Ambry Genetics
Classification: Likely benign for Cardiovascular phenotype. Last evaluated: 2018-07-23. Review status: criteria provided, single submitter. Criteria: Ambry Variant Classification Scheme 2023. Collection method: clinical testing. Allele origin: germline.

Breakthrough Genomics
Classification: Likely benign. Review status: criteria provided, single submitter. Criteria: ACMG Guidelines, 2015. Collection method: not provided. Allele origin: germline. Inheritance: Autosomal dominant inheritance. Affected: yes.

PreventionGenetics, part of Exact Sciences
Classification: Likely benign for SCN3B-related condition. Last evaluated: 2019-06-12. Review status: no assertion criteria provided. Collection method: clinical testing. Allele origin: germline. Not counted in ClinVar's aggregate classification.
Comment: This variant is classified as likely benign based on ACMG/AMP sequence variant interpretation guidelines (Richards et al. 2015 PMID: 25741868, with internal and published modifications).

NM_001040151.2(SCN3B):c.327C>T (p.Asn109=)

Gene: SCN3B (sodium voltage-gated channel beta subunit 3; minus strand). Cytogenetic location: 11q24.1.
Variant type: single nucleotide variant.
Coding change: c.327C>T on transcript NM_001040151.2 (MANE Select); coding-DNA position 327, C replaced by T.
Protein change: p.Asn109=; no amino-acid change (asparagine 109 retained).
Molecular consequence: synonymous variant.
Genome position (GRCh38, 1-based): chr11:123,642,564, G>A on the plus strand (C>T on the coding strand, the complement: SCN3B is on the minus strand). VCF-style: chr11-123642564-G-A. GRCh37 (hg19) VCF-style: chr11-123513272-G-A.
Other names: c.327C>T, p.Asn109= (NM_018400.4).
Identifiers: ClinVar variation 416600 (VCV000416600.20), dbSNP rs199937307, ClinGen allele CA6334038.